The following is an entry in ClinVar:

NM_020166.5(MCCC1):c.1268-255A>G

Gene: MCCC1 (methylcrotonyl-CoA carboxylase subunit 1; minus strand). Cytogenetic location: 3q27.1.
Variant type: single nucleotide variant.
Coding change: c.1268-255A>G on transcript NM_020166.5 (MANE Select); 255 bases into the intron before coding-DNA position 1268, A replaced by G.
Molecular consequence: intron variant.
Genome position (GRCh38, 1-based): chr3:183,039,390, T>C on the plus strand (A>G on the coding strand, the complement: MCCC1 is on the minus strand). VCF-style: chr3-183039390-T-C. GRCh37 (hg19) VCF-style: chr3-182757178-T-C.
Other names: c.941-255A>G (NM_001363880.1); c.917-255A>G (NM_001293273.2).
Identifiers: ClinVar variation 684205 (VCV000684205.1), dbSNP rs9861464, ClinGen allele CA11389148.

ClinVar aggregate classification (germline): Benign (1 of 4 stars; one submission).

Allele frequency attached by ClinVar (database versions not stated): gnomAD 0.89480 and 0.89901; TOPMed 0.89720; 1000 Genomes Project 30x 0.91412; 1000 Genomes Project 0.91773.
gnomAD v4.1: 136,786 of 152,148 alleles (90%); highest among the groups gnomAD compares: East Asian, 100%; 61,803 homozygotes.

Submission:

GeneDx
Classification: Benign. Last evaluated: 2018-06-14. Review status: criteria provided, single submitter. Criteria: GeneDx Variant Classification (06012015). Collection method: clinical testing. Allele origin: germline. Affected: yes.
Comment: This variant is considered likely benign or benign based on one or more of the following criteria: it is a conservative change, it occurs at a poorly conserved position in the protein, it is predicted to be benign by multiple in silico algorithms, and/or has population frequency not consistent with disease.